The following is an entry in ClinVar:

ClinVar aggregate classification (germline): Uncertain significance (1 of 4 stars; one submission).

Conditions:
Short-rib thoracic dysplasia 14 with polydactyly (SRTD14). Identifiers: Orphanet 397715, MedGen C4225286, MONDO:0014688, OMIM 616546.
Joubert syndrome 23 (JBTS23). Identifiers: Orphanet 475, MedGen C4084822, MONDO:0014664, OMIM 616490.

Submission:

Labcorp Genetics (formerly Invitae), Labcorp
Classification: Uncertain significance for Joubert syndrome 23; Short-rib thoracic dysplasia 14 with polydactyly. Last evaluated: 2024-10-24. Review status: criteria provided, single submitter. Criteria: Invitae Variant Classification Sherloc (09022015). Collection method: clinical testing. Allele origin: germline.
Comment: This sequence change replaces histidine, which is basic and polar, with asparagine, which is neutral and polar, at codon 324 of the KIAA0586 protein (p.His324Asn). This variant is not present in population databases (gnomAD no frequency). This variant has not been reported in the literature in individuals affected with KIAA0586-related conditions. Invitae Evidence Modeling of protein sequence and biophysical properties (such as structural, functional, and spatial information, amino acid conservation, physicochemical variation, residue mobility, and thermodynamic stability) has been performed for this missense variant. However, the output from this modeling did not meet the statistical confidence thresholds required to predict the impact of this variant on KIAA0586 protein function. In summary, the available evidence is currently insufficient to determine the role of this variant in disease. Therefore, it has been classified as a Variant of Uncertain Significance.

NM_001329943.3(KIAA0586):c.811C>A (p.His271Asn)

Gene: KIAA0586 (KIAA0586; plus strand). Cytogenetic location: 14q23.1.
Variant type: single nucleotide variant.
Coding change: c.811C>A on transcript NM_001329943.3 (MANE Select); coding-DNA position 811, C replaced by A.
Protein change: p.His271Asn; replaces histidine 271 with asparagine.
Molecular consequence: missense variant.
Genome position (GRCh38, 1-based): chr14:58,448,343, C>A. VCF-style: chr14-58448343-C-A. GRCh37 (hg19) VCF-style: chr14-58915061-C-A.
Other names: c.970C>A, p.His324Asn (NM_001244189.2); c.556C>A, p.His186Asn (NM_001364701.2, NM_001244191.2, NM_001329945.2 and 1 more transcripts); c.811C>A, p.His271Asn (NM_014749.5, NM_001329944.2, NM_001329946.2 and 1 more transcripts); c.766C>A, p.His256Asn (NM_001244190.2); c.679C>A, p.His227Asn (NM_001244192.2); c.391C>A, p.His131Asn (NM_001244193.2); short protein forms H256N, H271N, H131N, H186N, H227N, H324N.
Identifiers: ClinVar variation 2943045 (VCV002943045.3), dbSNP rs1417240682, ClinGen allele CA389863738.